The following is an entry in ClinVar:

ClinVar aggregate classification (germline): Benign/Likely benign. Review status: criteria provided, multiple submitters, no conflicts (2 of 4 stars). 4 submissions from 4 submitters: Benign (1); Likely benign (3). Last evaluated 2024-11-04.

Conditions:
Multiple endocrine neoplasia, type 1 (MEN1). Also called: Endocrine adenomatosis multiple; MEN 1; MEN I; WERMER SYNDROME; MEA I. Identifiers: Orphanet 652, MedGen C0025267, MeSH D018761, MONDO:0007540, OMIM 131100.
Hereditary cancer-predisposing syndrome. Also called: Neoplastic Syndromes, Hereditary; Hereditary Cancer Syndrome; Hereditary neoplastic syndrome; Tumor predisposition. Identifiers: Orphanet 140162, MedGen C0027672, MeSH D009386, MONDO:0015356.

Allele frequency attached by ClinVar (database versions not stated): gnomAD exomes 0.00001.
gnomAD v4.1: 11 of 1,614,216 alleles (0.00068%); highest among the groups gnomAD compares: Non-Finnish European, 0.00093%; no homozygotes.

Submissions (4):

Myriad Genetics, Inc.
Classification: Benign for Multiple endocrine neoplasia, type 1. Last evaluated: 2024-11-04. Review status: criteria provided, single submitter. Criteria: Myriad Autosomal Dominant, Autosomal Recessive and X-Linked Classification Criteria (2023). Collection method: clinical testing. Allele origin: unknown.
Comment: This variant is considered benign. This variant is a silent/synonymous amino acid change and it is not expected to impact splicing.

Labcorp Genetics (formerly Invitae), Labcorp
Classification: Likely benign for Multiple endocrine neoplasia, type 1. Last evaluated: 2024-07-01. Review status: criteria provided, single submitter. Criteria: Invitae Variant Classification Sherloc (09022015). Collection method: clinical testing. Allele origin: germline.

All of Us Research Program, National Institutes of Health
Classification: Likely benign for Multiple endocrine neoplasia, type 1. Last evaluated: 2023-10-23. Review status: criteria provided, single submitter. Criteria: ACMG Guidelines, 2015. Collection method: clinical testing. Allele origin: germline. Inheritance: Autosomal dominant inheritance. Observed: 1 variant allele, 1 heterozygote.
Comment: This study involves interpretation of variants in research participants for the purpose of population health screening. Participant phenotype was not available at the time of variant classification. Additional details can be found in publication PMID: 35346344, PMCID: PMC8962531

Ambry Genetics
Classification: Likely benign for Hereditary cancer-predisposing syndrome. Last evaluated: 2020-07-11. Review status: criteria provided, single submitter. Criteria: Ambry Variant Classification Scheme 2023. Collection method: clinical testing. Allele origin: germline.

NM_001370259.2(MEN1):c.936C>T (p.Tyr312=)

Gene: MEN1 (menin 1; minus strand). Cytogenetic location: 11q13.1.
Variant type: single nucleotide variant.
Coding change: c.936C>T on transcript NM_001370259.2 (MANE Select); coding-DNA position 936, C replaced by T.
Protein change: p.Tyr312=; no amino-acid change (tyrosine 312 retained).
Molecular consequence: synonymous variant.
Genome position (GRCh38, 1-based): chr11:64,806,345, G>A on the plus strand (C>T on the coding strand, the complement: MEN1 is on the minus strand). VCF-style: chr11-64806345-G-A. GRCh37 (hg19) VCF-style: chr11-64573817-G-A.
Other names: c.951C>T, p.Tyr317= (NM_130802.3, NM_130803.3, NM_130804.3 and 3 more transcripts); c.936C>T, p.Tyr312= (NM_001370251.2, NM_001370260.2, NM_001370261.2 and 1 more transcripts); c.831C>T, p.Tyr277= (NM_001370262.2, NM_001370263.2).
Identifiers: ClinVar variation 1156339 (VCV001156339.13), dbSNP rs386134260, ClinGen allele CA474983401.